The following is an entry in ClinVar:

ClinVar aggregate classification (germline): Uncertain significance (1 of 4 stars; one submission).

Conditions:
Bethlem myopathy 2 (BTHLM2). Identifiers: Orphanet 536516, Orphanet 610, MedGen C4225313, MONDO:0034022, OMIM 616471.

Submission:

Clinical Genetics Laboratory, University Hospital Schleswig-Holstein
Classification: Uncertain significance for Bethlem myopathy 2. Last evaluated: 2025-02-04. Review status: criteria provided, single submitter. Criteria: ACMG Guidelines, 2015. Collection method: clinical testing. Allele origin: germline. Affected: yes. Observed: 1 heterozygote.
Comment: ACMG criteria applied: PM2, PM4, PP4

NM_004370.6(COL12A1):c.9066_9067insACTGGCCCC (p.Pro3022_Pro3023insThrGlyPro)

Gene: COL12A1 (collagen type XII alpha 1 chain; minus strand). Cytogenetic location: 6q13.
Variant type: Microsatellite.
Coding change: c.9066_9067insACTGGCCCC on transcript NM_004370.6 (MANE Select); coding-DNA positions 9066 to 9067, ACTGGCCCC inserted.
Protein change: p.Pro3022_Pro3023insThrGlyPro.
Molecular consequence: inframe insertion.
Genome position: GRCh38 VCF-style: chr6-75087691-G-GGGGGCCAGT. GRCh37 (hg19) VCF-style: chr6-75797407-G-GGGGGCCAGT.
Other names: c.9066_9067insACTGGCCCC, p.Pro3022_Pro3023insThrGlyPro (NM_001424113.1); c.9045_9046insACTGGCCCC, p.Pro3015_Pro3016insThrGlyPro (NM_001424114.1); c.8793_8794insACTGGCCCC, p.Pro2931_Pro2932insThrGlyPro (NM_001424115.1); c.5574_5575insACTGGCCCC, p.Pro1858_Pro1859insThrGlyPro (NM_001424116.1, NM_080645.3).
Identifiers: ClinVar variation 5042021 (VCV005042021.1).